The following is an entry in ClinVar:

NM_001145809.2(MYH14):c.3907A>G (p.Thr1303Ala)

Gene: MYH14 (myosin heavy chain 14; plus strand). Cytogenetic location: 19q13.33.
Variant type: single nucleotide variant.
Coding change: c.3907A>G on transcript NM_001145809.2 (MANE Select); coding-DNA position 3907, A replaced by G.
Protein change: p.Thr1303Ala; replaces threonine 1303 with alanine.
Molecular consequence: missense variant.
Genome position (GRCh38, 1-based): chr19:50,278,164, A>G. VCF-style: chr19-50278164-A-G. GRCh37 (hg19) VCF-style: chr19-50781421-A-G.
Other names: c.3808A>G, p.Thr1270Ala (NM_001077186.2); c.3784A>G, p.Thr1262Ala (NM_024729.4); short protein forms T1303A, T1270A, T1262A.
Identifiers: ClinVar variation 2895272 (VCV002895272.3), dbSNP rs752277389, ClinGen allele CA9593369.

ClinVar aggregate classification (germline): Uncertain significance (1 of 4 stars; one submission).

Allele frequency attached by ClinVar (database versions not stated): gnomAD exomes below 0.00001; TOPMed below 0.00001; ExAC 0.00001.
gnomAD v4.1: 3 of 1,612,550 alleles (0.00019%); highest among the groups gnomAD compares: Non-Finnish European, 0.00025%; no homozygotes.

Submission:

Labcorp Genetics (formerly Invitae), Labcorp
Classification: Uncertain significance. Last evaluated: 2023-12-22. Review status: criteria provided, single submitter. Criteria: Invitae Variant Classification Sherloc (09022015). Collection method: clinical testing. Allele origin: germline.
Comment: This sequence change replaces threonine, which is neutral and polar, with alanine, which is neutral and non-polar, at codon 1262 of the MYH14 protein (p.Thr1262Ala). This variant is present in population databases (rs752277389, gnomAD 0.0009%). This variant has not been reported in the literature in individuals affected with MYH14-related conditions. Advanced modeling of protein sequence and biophysical properties (such as structural, functional, and spatial information, amino acid conservation, physicochemical variation, residue mobility, and thermodynamic stability) performed at Invitae indicates that this missense variant is not expected to disrupt MYH14 protein function with a negative predictive value of 80%. In summary, the available evidence is currently insufficient to determine the role of this variant in disease. Therefore, it has been classified as a Variant of Uncertain Significance.